The following is an entry in ClinVar:

ClinVar aggregate classification (germline): Uncertain significance. Review status: criteria provided, multiple submitters, no conflicts (2 of 4 stars). 2 submissions from 2 submitters: Uncertain significance (2). Last evaluated 2025-11-05.

Conditions:
Inborn genetic diseases. Identifiers: MedGen C0950123, MeSH D030342.
Combined immunodeficiency due to LRBA deficiency. Also called: Common variable immunodeficiency 8, with autoimmunity. Identifiers: Orphanet 445018, MedGen C3553512, MONDO:0013863, OMIM 614700.

Allele frequency attached by ClinVar (database versions not stated): gnomAD exomes 0.00004; gnomAD 0.00007 and 0.00008; TOPMed 0.00006; ExAC 0.00007; ESP Exome Variant Server 0.00008.
gnomAD v4.1: 82 of 1,590,274 alleles (0.0052%); highest among the groups gnomAD compares: Non-Finnish European, 0.0067%; no homozygotes.

Submissions (2):

Ambry Genetics
Classification: Uncertain significance for Inborn genetic diseases. Last evaluated: 2025-11-05. Review status: criteria provided, single submitter. Criteria: Ambry Variant Classification Scheme 2023. Collection method: clinical testing. Allele origin: germline.

Labcorp Genetics (formerly Invitae), Labcorp
Classification: Uncertain significance for Combined immunodeficiency due to LRBA deficiency. Last evaluated: 2021-08-31. Review status: criteria provided, single submitter. Criteria: Invitae Variant Classification Sherloc (09022015). Collection method: clinical testing. Allele origin: germline.
Comment: This sequence change replaces glycine with serine at codon 2695 of the LRBA protein (p.Gly2695Ser). The glycine residue is highly conserved and there is a small physicochemical difference between glycine and serine. This variant is present in population databases (rs140490188, ExAC 0.02%). This variant has not been reported in the literature in individuals affected with LRBA-related conditions. Algorithms developed to predict the effect of missense changes on protein structure and function are either unavailable or do not agree on the potential impact of this missense change (SIFT: "Deleterious"; PolyPhen-2: "Probably Damaging"; Align-GVGD: "Class C0"). Algorithms developed to predict the effect of sequence changes on RNA splicing suggest that this variant may create or strengthen a splice site. In summary, the available evidence is currently insufficient to determine the role of this variant in disease. Therefore, it has been classified as a Variant of Uncertain Significance.

NM_001364905.1(LRBA):c.8050G>A (p.Gly2684Ser)

Gene: LRBA (LPS responsive beige-like anchor protein; minus strand). Cytogenetic location: 4q31.3.
Variant type: single nucleotide variant.
Coding change: c.8050G>A on transcript NM_001364905.1 (MANE Select); coding-DNA position 8050, G replaced by A.
Protein change: p.Gly2684Ser; replaces glycine 2684 with serine.
Molecular consequence: missense variant.
Genome position (GRCh38, 1-based): chr4:150,286,002, C>T on the plus strand (G>A on the coding strand, the complement: LRBA is on the minus strand). VCF-style: chr4-150286002-C-T. GRCh37 (hg19) VCF-style: chr4-151207154-C-T.
Other names: c.8083G>A, p.Gly2695Ser (NM_006726.5); c.8047G>A, p.Gly2683Ser (NM_001199282.3); c.8065G>A, p.Gly2689Ser (NM_001367550.1); short protein forms G2683S, G2684S, G2695S, G2689S.
Identifiers: ClinVar variation 1427068 (VCV001427068.7), dbSNP rs140490188, ClinGen allele CA3101454.
Genomic context (GRCh38, chr4:150,286,002, plus strand): 5'-CACTCAACACCAGGCCTAGCTCCGCACACACCGCAGCACATGTGACCTCATAGTCATGGC[C>T]GGTCAAAATGGCCCGAGGAGCAGCAGTCTCACCTTTAGGAAAAAACAGATAAAAAGAACA-3'
Protein context (NP_001351834.1, residues 2674-2694): ETAAPRAILT[Gly2684Ser]HDYEVTCAAV